The following is an entry in ClinVar:

ClinVar aggregate classification (germline): Uncertain significance (1 of 4 stars; one submission).

Conditions:
SCAPER-related disorder. Also called: SCAPER-related condition.

Submission:

PreventionGenetics, part of Exact Sciences
Classification: Uncertain significance for SCAPER-related condition. Last evaluated: 2026-06-22. Review status: criteria provided, single submitter. Criteria: ACMG Guidelines, 2015. Collection method: clinical testing. Allele origin: germline.
Comment: The SCAPER c.2910_2912dupACA variant is predicted to result in an in-frame duplication (p.Glu970_His971insGln). To our knowledge, this variant has not been reported in the literature or in a large population database (gnomAD), indicating this variant is rare. At this time, the clinical significance of this variant is uncertain due to the absence of conclusive functional and genetic evidence.

NM_020843.4(SCAPER):c.2892_2894dup (p.Glu964_His965insGln)

Gene: SCAPER (S-phase cyclin A associated protein in the ER; minus strand). Cytogenetic location: 15q24.3.
Variant type: Duplication.
Coding change: c.2892_2894dup on transcript NM_020843.4 (MANE Select); coding-DNA positions 2892 to 2894, 3 bases duplicated (ACA; older notation c.2892_2894dupACA).
Protein change: p.Glu964_His965insGln.
Molecular consequence: inframe insertion. On other transcripts: non-coding transcript variant (1).
Genome position (GRCh38, 1-based): chr15:76,504,919-76,504,921, TGT duplicated on the plus strand (ACA on the coding strand, the reverse complement: SCAPER is on the minus strand); duplicating any 3 consecutive bases within chr15:76,504,919-76,504,922 gives the same sequence; the c. name uses the placement nearest the transcript's 3' end. VCF-style (leftmost placement, unchanged base first): chr15-76504918-G-GTGT. GRCh37 (hg19) VCF-style: chr15-76797259-G-GTGT.
Other names: c.2154_2156dup, p.Glu718_His719insGln (NM_001145923.2); c.2910_2912dup, p.Glu970_His971insGln (NM_001353009.2); c.2490_2492dup, p.Glu830_His831insGln (NM_001353010.2, NM_001353012.2); c.2508_2510dup, p.Glu836_His837insGln (NM_001353011.2).
Identifiers: ClinVar variation 4988400 (VCV004988400.1).
Genomic context (GRCh38, chr15:76,504,918, plus strand): 5'-CTTAGGAGGAATTCTTAAAACTGTGTTCACATTTGTGGCTGGGACTACTGCTTGAAGGAT[G>GTGT]TGTTCAAGGGCTGTTAATCCACCAGCAGCTTGAAATGCAATCTGATCTGCCACATTCTAG-3'